The following is an entry in ClinVar:

NM_006567.5(FARS2):c.1168_1173del (p.Gly390_Asp391del)

Gene: FARS2 (phenylalanyl-tRNA synthetase 2, mitochondrial; plus strand). Cytogenetic location: 6p25.1.
Variant type: Deletion.
Coding change: c.1168_1173del on transcript NM_006567.5 (MANE Select); coding-DNA positions 1168 to 1173, 6 bases deleted (GGAGAC; older notation c.1168_1173delGGAGAC).
Protein change: p.Gly390_Asp391del.
Molecular consequence: inframe deletion.
Genome position (GRCh38, 1-based): chr6:5,613,271-5,613,276, GGAGAC deleted. VCF-style (leftmost placement, unchanged base first): chr6-5613270-AGGAGAC-A. GRCh37 (hg19) VCF-style: chr6-5613503-AGGAGAC-A.
Other names: c.1168_1173del, p.Gly390_Asp391del (NM_001318872.2, NM_001374875.1, NM_001374876.1 and 4 more transcripts); c.1036_1041del, p.Gly346_Asp347del (NM_001375258.1); c.472_477del, p.Gly158_Asp159del (NM_001375259.1, NM_001375260.1); c.1168_1173delGGAGAC (NM_006567.5).
Identifiers: ClinVar variation 2202486 (VCV002202486.4), dbSNP rs765670501, ClinGen allele CA3623899.

ClinVar aggregate classification (germline): Uncertain significance. Review status: criteria provided, multiple submitters, no conflicts (2 of 4 stars). 2 submissions from 2 submitters: Uncertain significance (2). Last evaluated 2025-01-21.

Conditions:
Combined oxidative phosphorylation defect type 14. Also called: Combined oxidative phosphorylation deficiency 14. Identifiers: Orphanet 319519, MedGen C4755312, MONDO:0013986, OMIM 614946.

Allele frequency attached by ClinVar (database versions not stated): gnomAD exomes below 0.00001; ExAC 0.00002; TOPMed 0.00004; gnomAD 0.00006; ESP Exome Variant Server 0.00008.

Submissions (2):

Labcorp Genetics (formerly Invitae), Labcorp
Classification: Uncertain significance for Combined oxidative phosphorylation defect type 14. Last evaluated: 2025-01-21. Review status: criteria provided, single submitter. Criteria: Invitae Variant Classification Sherloc (09022015). Collection method: clinical testing. Allele origin: germline.
Comment: This variant, c.1168_1173del, results in the deletion of 2 amino acid(s) of the FARS2 protein (p.Gly390_Asp391del), but otherwise preserves the integrity of the reading frame. This variant is present in population databases (rs765670501, gnomAD 0.03%). This variant has not been reported in the literature in individuals affected with FARS2-related conditions. ClinVar contains an entry for this variant (Variation ID: 2202486). Experimental studies and prediction algorithms are not available or were not evaluated, and the functional significance of this variant is currently unknown. In summary, the available evidence is currently insufficient to determine the role of this variant in disease. Therefore, it has been classified as a Variant of Uncertain Significance.

Women's Health and Genetics/Laboratory Corporation of America, LabCorp
Classification: Uncertain significance. Last evaluated: 2024-09-11. Review status: criteria provided, single submitter. Criteria: LabCorp Variant Classification Summary - May 2015. Collection method: clinical testing. Allele origin: germline.
Comment: Variant summary: FARS2 c.1168_1173delGGAGAC (p.Gly390_Asp391del) results in an in-frame deletion that is predicted to remove 2 amino acids from the encoded protein. The variant allele was found at a frequency of 1.2e-05 in 251122 control chromosomes (gnomAD). The available data on variant occurrences in the general population are insufficient to allow any conclusion about variant significance. To our knowledge, no occurrence of c.1168_1173delGGAGAC in individuals affected with FARS2-Related Disorders and no experimental evidence demonstrating its impact on protein function have been reported. ClinVar contains an entry for this variant (Variation ID: 2202486). Based on the evidence outlined above, the variant was classified as uncertain significance.